The following is an entry in ClinVar:

ClinVar aggregate classification (germline): Uncertain significance. Review status: criteria provided, multiple submitters, no conflicts (2 of 4 stars). 3 submissions from 3 submitters: Uncertain significance (3). Last evaluated 2025-04-20.

Conditions:
Inborn genetic diseases. Identifiers: MedGen C0950123, MeSH D030342.

Allele frequency attached by ClinVar (database versions not stated): gnomAD exomes 0.00001; ExAC 0.00031.
gnomAD v4.1: 16 of 1,393,810 alleles (0.0011%); highest among the groups gnomAD compares: Middle Eastern, 0.026%; no homozygotes.

Submissions (3):

Ambry Genetics
Classification: Uncertain significance for Inborn genetic diseases. Last evaluated: 2025-04-20. Review status: criteria provided, single submitter. Criteria: Ambry Variant Classification Scheme 2023. Collection method: clinical testing. Allele origin: germline.

Blueprint Genetics
Classification: Uncertain significance. Last evaluated: 2024-07-11. Review status: criteria provided, single submitter. Criteria: ACMG Guidelines, 2015. Collection method: clinical testing. Allele origin: germline.

Labcorp Genetics (formerly Invitae), Labcorp
Classification: Uncertain significance. Last evaluated: 2022-08-16. Review status: criteria provided, single submitter. Criteria: Invitae Variant Classification Sherloc (09022015). Collection method: clinical testing. Allele origin: germline.
Comment: This sequence change replaces arginine, which is basic and polar, with glutamine, which is neutral and polar, at codon 7 of the GNPTG protein (p.Arg7Gln). The frequency data for this variant in the population databases is considered unreliable, as metrics indicate poor data quality at this position in the gnomAD database. This variant has not been reported in the literature in individuals affected with GNPTG-related conditions. Algorithms developed to predict the effect of missense changes on protein structure and function are either unavailable or do not agree on the potential impact of this missense change (SIFT: "Tolerated"; PolyPhen-2: "Not Available"; Align-GVGD: "Class C0"). Algorithms developed to predict the effect of sequence changes on RNA splicing suggest that this variant may create or strengthen a splice site. In summary, the available evidence is currently insufficient to determine the role of this variant in disease. Therefore, it has been classified as a Variant of Uncertain Significance.

NM_032520.5(GNPTG):c.20G>A (p.Arg7Gln)

Genes: GNPTG (N-acetylglucosamine-1-phosphate transferase subunit gamma; plus strand), LOC130058158 (ATAC-STARR-seq lymphoblastoid silent region 6972; plus strand). Cytogenetic location: 16p13.3.
Variant type: single nucleotide variant.
Coding change: c.20G>A on transcript NM_032520.5 (MANE Select); coding-DNA position 20, G replaced by A.
Protein change: p.Arg7Gln; replaces arginine 7 with glutamine.
Molecular consequence: missense variant.
Genome position (GRCh38, 1-based): chr16:1,351,985, G>A. VCF-style: chr16-1351985-G-A. GRCh37 (hg19) VCF-style: chr16-1401986-G-A.
Other names: c.20G>A (NM_032520.4); short protein forms R7Q.
Identifiers: ClinVar variation 2201948 (VCV002201948.3), dbSNP rs779505508, ClinGen allele CA7807440.
Genomic context (GRCh38, chr16:1,351,985, plus strand): 5'-ACCGTCACTTCACGTGACCGCGCGGCGGCCGCTGCGGCGCGATGGCGGCGGGGCTGGCGC[G>A]GCTCCTGTTGCTCCTCGGGCTCTCGGCCGGCGGTGAGTGGCCCGGCCGTCCGCGTCCCCA-3'
Protein context (NP_115909.1, residues 1-17): MAAGLA[Arg7Gln]LLLLLGLSAG